The following is an entry in ClinVar:

ClinVar aggregate classification (germline): Uncertain significance (1 of 4 stars; one submission).

Conditions:
Kabuki syndrome. Also called: Kabuki make-up syndrome; NIIKAWA-KUROKI SYNDROME. Identifiers: Orphanet 2322, MedGen C0796004, MONDO:0016512.

Submission:

Labcorp Genetics (formerly Invitae), Labcorp
Classification: Uncertain significance for Kabuki syndrome. Last evaluated: 2022-02-05. Review status: criteria provided, single submitter. Criteria: Invitae Variant Classification Sherloc (09022015). Collection method: clinical testing. Allele origin: germline.
Comment: In summary, the available evidence is currently insufficient to determine the role of this variant in disease. Therefore, it has been classified as a Variant of Uncertain Significance. Advanced modeling of protein sequence and biophysical properties (such as structural, functional, and spatial information, amino acid conservation, physicochemical variation, residue mobility, and thermodynamic stability) performed at Invitae indicates that this missense variant is not expected to disrupt KMT2D protein function. This variant has not been reported in the literature in individuals affected with KMT2D-related conditions. This variant is not present in population databases (gnomAD no frequency). This sequence change replaces alanine, which is neutral and non-polar, with proline, which is neutral and non-polar, at codon 222 of the KMT2D protein (p.Ala222Pro).

NM_003482.4(KMT2D):c.664G>C (p.Ala222Pro)

Gene: KMT2D (lysine methyltransferase 2D; minus strand). Cytogenetic location: 12q13.12.
Variant type: single nucleotide variant.
Coding change: c.664G>C on transcript NM_003482.4 (MANE Select); coding-DNA position 664, G replaced by C.
Protein change: p.Ala222Pro; replaces alanine 222 with proline.
Molecular consequence: missense variant.
Genome position (GRCh38, 1-based): chr12:49,053,987, C>G on the plus strand (G>C on the coding strand, the complement: KMT2D is on the minus strand). VCF-style: chr12-49053987-C-G. GRCh37 (hg19) VCF-style: chr12-49447770-C-G.
Other names: short protein forms A222P.
Identifiers: ClinVar variation 1515228 (VCV001515228.8), dbSNP rs1217477780, ClinGen allele CA384684533.